The following is an entry in ClinVar:

ClinVar aggregate classification (germline): Likely benign. Review status: criteria provided, multiple submitters, no conflicts (2 of 4 stars). 3 submissions from 3 submitters: Likely benign (3). Last evaluated 2025-12-15.

Conditions:
Inborn genetic diseases. Identifiers: MedGen C0950123, MeSH D030342.

Allele frequency attached by ClinVar (database versions not stated): TOPMed 0.00017; gnomAD 0.00019; 1000 Genomes Project 0.00020; gnomAD exomes 0.00021; ESP Exome Variant Server 0.00023; 1000 Genomes Project 30x 0.00031; ExAC 0.00038.
gnomAD v4.1: 333 of 1,529,276 alleles (0.022%); highest among the groups gnomAD compares: South Asian, 0.22%; 2 homozygotes.

Submissions (3):

Labcorp Genetics (formerly Invitae), Labcorp
Classification: Likely benign. Last evaluated: 2025-12-15. Review status: criteria provided, single submitter. Criteria: Invitae Variant Classification Sherloc (09022015). Collection method: clinical testing. Allele origin: germline.

CeGaT Center for Human Genetics Tuebingen
Classification: Likely benign. Last evaluated: 2025-11-01. Review status: criteria provided, single submitter. Criteria: CeGaT Center For Human Genetics Tuebingen Variant Classification Criteria Version 2. Collection method: clinical testing. Allele origin: germline. Affected: yes. Observed: 4 variant alleles.
Comment: CAMTA1: PP2, BP4, BS1

Ambry Genetics
Classification: Likely benign for Inborn genetic diseases. Last evaluated: 2024-04-09. Review status: criteria provided, single submitter. Criteria: Ambry Variant Classification Scheme 2023. Collection method: clinical testing. Allele origin: germline.

NM_015215.4(CAMTA1):c.2563G>A (p.Ala855Thr)

Gene: CAMTA1 (calmodulin binding transcription activator 1; plus strand). Cytogenetic location: 1p36.23.
Variant type: single nucleotide variant.
Coding change: c.2563G>A on transcript NM_015215.4 (MANE Select); coding-DNA position 2563, G replaced by A.
Protein change: p.Ala855Thr; replaces alanine 855 with threonine.
Molecular consequence: missense variant.
Genome position (GRCh38, 1-based): chr1:7,665,110, G>A. VCF-style: chr1-7665110-G-A. GRCh37 (hg19) VCF-style: chr1-7725170-G-A.
Other names: c.2563G>A (NM_015215.2); c.2473G>A, p.Ala825Thr (NM_001349608.2, NM_001349612.2); c.2563G>A, p.Ala855Thr (NM_001349609.2, NM_001349610.2, NM_001410737.1); c.2491G>A, p.Ala831Thr (NM_001410738.1); short protein forms A855T, A825T, A831T.
Identifiers: ClinVar variation 2085753 (VCV002085753.29), dbSNP rs148522530, ClinGen allele CA566669.